The following is an entry in ClinVar:

ClinVar aggregate classification (germline): Pathogenic (1 of 4 stars; one submission).

Submission:

Labcorp Genetics (formerly Invitae), Labcorp
Classification: Pathogenic. Last evaluated: 2021-12-02. Review status: criteria provided, single submitter. Criteria: Invitae Variant Classification Sherloc (09022015). Collection method: clinical testing. Allele origin: germline.
Comment: Retrotransposon insertions including LINE1 (L1), Alu, and SVA (SINE-VNTR-Alu) have been reported to be disease-causing through disruption of either a coding region or splice site (PMID: 19763152, 20307669, 22406018) and loss-of-function variants in KARS are known to be pathogenic (PMID: 30252186, 33942428). This variant has not been reported in the literature in individuals affected with KARS-related conditions. This variant is not present in population databases (gnomAD no frequency). This sequence change inserts a large fragment of DNA, likely a transposable element, in exon 7 of the KARS gene (c.857_858ins?), causing a frameshift at codon 286 (p.Leu286fs). The exact size and sequence of the insertion cannot be determined by the current assay. However, the insertion is expected to result in an absent or disrupted protein product. For these reasons, this variant has been classified as Pathogenic.

Literature cited by the submitters: PubMed 19763152; PubMed 20307669; PubMed 22406018; PubMed 30252186; PubMed 33942428.

NM_005548.3(KARS1):c.773_774insTTTTTTTTTTTTTTTTTTTTNNNNNNNNNNAGGGAGAGGGAGACCGAGAGGGAGAGGGGAGAGGGGAGAGGGGAGAGGGGAGAGGGGAGAGGGGAGAGGGAGAGGCAGGGGCAGGGGCAGGGGCAGGGCACATATATAAGAAGTTTCTT (p.Leu258delinsPhePhePhePhePhePhePheXaaXaaXaaXaaGlyArgGlyArgProArgGlyArgGlyGluArgGlyGluGlyArgGlyGluArgGlyGluGlyArgGlyArgGlyArgGlyArgGlyArgGlyArgAlaHisIleTer)

Gene: KARS1 (lysyl-tRNA synthetase 1; minus strand). Cytogenetic location: 16q23.1.
Variant type: Insertion.
Coding change: c.773_774insTTTTTTTTTTTTTTTTTTTTNNNNNNNNNNAGGGAGAGGGAGACCGAGAGGGAGAGGGGAGAGGGGAGAGGGGAGAGGGGAGAGGGGAGAGGGGAGAGGGAGAGGCAGGGGCAGGGGCAGGGGCAGGGCACATATATAAGAAGTTTCTT on transcript NM_005548.3 (MANE Select); coding-DNA positions 773 to 774, TTTTTTTTTTTTTTTTTTTTNNNNNNNNNNAGGGAGAGGGAGACCGAGAGGGAGAGGGGAGAGGGGAGAGGGGAGAGGGGAGAGGGGAGAGGGGAGAGGGAGAGGCAGGGGCAGGGGCAGGGGCAGGGCACATATATAAGAAGTTTCTT inserted.
Protein change: p.Leu258delinsPhePhePhePhePhePhePheXaaXaaXaaXaaGlyArgGlyArgProArgGlyArgGlyGluArgGlyGluGlyArgGlyGluArgGlyGluGlyArgGlyArgGlyArgGlyArgGlyArgGlyArgAlaHisIleTer.
Molecular consequence: nonsense.
Genome position: GRCh38: chr16:75,635,722-75,635,723. GRCh37 (hg19): chr16:75,669,620-75,669,621.
Other names: c.857_858insTTTTTTTTTTTTTTTTTTTTNNNNNNNNNNAGGGAGAGGGAGACCGAGAGGGAGAGGGGAGAGGGGAGAGGGGAGAGGGGAGAGGGGAGAGGGGAGAGGGAGAGGCAGGGGCAGGGGCAGGGGCAGGGCACATATATAAGAAGTTTCTT, p.Leu286delinsPhePhePhePhePhePhePheXaaXaaXaaXaaGlyArgGlyArgProArgGlyArgGlyGluArgGlyGluGlyArgGlyGluArgGlyGluGlyArgGlyArgGlyArgGlyArgGlyArgGlyArgAlaHisIleTer (NM_001130089.2); c.305_306insTTTTTTTTTTTTTTTTTTTTNNNNNNNNNNAGGGAGAGGGAGACCGAGAGGGAGAGGGGAGAGGGGAGAGGGGAGAGGGGAGAGGGGAGAGGGGAGAGGGAGAGGCAGGGGCAGGGGCAGGGGCAGGGCACATATATAAGAAGTTTCTT, p.Leu102delinsPhePhePhePhePhePhePheXaaXaaXaaXaaGlyArgGlyArgProArgGlyArgGlyGluArgGlyGluGlyArgGlyGluArgGlyGluGlyArgGlyArgGlyArgGlyArgGlyArgGlyArgAlaHisIleTer (NM_001378148.1).
Identifiers: ClinVar variation 1682436 (VCV001682436.6), dbSNP rs2151805582.